The following is an entry in ClinVar:

ClinVar aggregate classification (germline): Uncertain significance. Review status: criteria provided, multiple submitters, no conflicts (2 of 4 stars). 2 submissions from 2 submitters: Uncertain significance (2). Last evaluated 2025-12-29.

Conditions:
Inborn genetic diseases. Identifiers: MedGen C0950123, MeSH D030342.

Allele frequency attached by ClinVar (database versions not stated): gnomAD exomes 0.00001 and 0.00002; ExAC 0.00003; TOPMed 0.00005; gnomAD 0.00007 and 0.00008; ESP Exome Variant Server 0.00008.
gnomAD v4.1: 19 of 1,613,766 alleles (0.0012%); highest among the groups gnomAD compares: African/African-American, 0.024%; no homozygotes.

Submissions (2):

Ambry Genetics
Classification: Uncertain significance for Inborn genetic diseases. Last evaluated: 2025-12-29. Review status: criteria provided, single submitter. Criteria: Ambry Variant Classification Scheme 2023. Collection method: clinical testing. Allele origin: germline.

Labcorp Genetics (formerly Invitae), Labcorp
Classification: Uncertain significance. Last evaluated: 2024-10-20. Review status: criteria provided, single submitter. Criteria: Invitae Variant Classification Sherloc (09022015). Collection method: clinical testing. Allele origin: germline.
Comment: This sequence change replaces isoleucine, which is neutral and non-polar, with threonine, which is neutral and polar, at codon 592 of the MYO7A protein (p.Ile592Thr). The frequency data for this variant in the population databases is considered unreliable, as metrics indicate poor data quality at this position in the gnomAD database. This variant has not been reported in the literature in individuals affected with MYO7A-related conditions. ClinVar contains an entry for this variant (Variation ID: 1386830). Invitae Evidence Modeling of protein sequence and biophysical properties (such as structural, functional, and spatial information, amino acid conservation, physicochemical variation, residue mobility, and thermodynamic stability) indicates that this missense variant is not expected to disrupt MYO7A protein function with a negative predictive value of 95%. In summary, the available evidence is currently insufficient to determine the role of this variant in disease. Therefore, it has been classified as a Variant of Uncertain Significance.

NM_000260.4(MYO7A):c.1775T>C (p.Ile592Thr)

Gene: MYO7A (myosin VIIA; plus strand). Cytogenetic location: 11q13.5.
Variant type: single nucleotide variant.
Coding change: c.1775T>C on transcript NM_000260.4 (MANE Select); coding-DNA position 1775, T replaced by C.
Protein change: p.Ile592Thr; replaces isoleucine 592 with threonine.
Molecular consequence: missense variant.
Genome position (GRCh38, 1-based): chr11:77,166,140, T>C. VCF-style: chr11-77166140-T-C. GRCh37 (hg19) VCF-style: chr11-76877186-T-C.
Other names: c.1775T>C (NM_000260.3); c.1775T>C, p.Ile592Thr (NM_001127180.2); c.1742T>C, p.Ile581Thr (NM_001369365.1); short protein forms I592T, I581T.
Identifiers: ClinVar variation 1386830 (VCV001386830.8), dbSNP rs371382279, ClinGen allele CA6197585.